The following is an entry in ClinVar:

NM_000059.4(BRCA2):c.7596C>G (p.Pro2532=)

Gene: BRCA2 (BRCA2 DNA repair associated; plus strand). Cytogenetic location: 13q13.1.
Variant type: single nucleotide variant.
Coding change: c.7596C>G on transcript NM_000059.4 (MANE Select); coding-DNA position 7596, C replaced by G.
Protein change: p.Pro2532=; no amino-acid change (proline 2532 retained).
Molecular consequence: synonymous variant.
Genome position (GRCh38, 1-based): chr13:32,356,588, C>G. VCF-style: chr13-32356588-C-G. GRCh37 (hg19) VCF-style: chr13-32930725-C-G.
Identifiers: ClinVar variation 186011 (VCV000186011.22), dbSNP rs748631472, ClinGen allele CA025170.

ClinVar aggregate classification (germline): Likely benign. Review status: reviewed by expert panel (3 of 4 stars). 7 submissions from 7 submitters: Likely benign (1). 6 of the submissions do not count toward it. Last evaluated 2017-06-29.

Conditions:
Hereditary cancer-predisposing syndrome. Also called: Hereditary Cancer Syndrome; Neoplastic Syndromes, Hereditary; Tumor predisposition; Hereditary neoplastic syndrome. Identifiers: Orphanet 140162, MedGen C0027672, MeSH D009386, MONDO:0015356.
Hereditary breast ovarian cancer syndrome. Also called: Hereditary breast and ovarian cancer; Hereditary breast and ovarian cancer syndrome; Breast and ovarian cancer; Hereditary breast and ovarian cancer syndrome (HBOC); Hereditary breast and/or ovarian cancer syndrome; BRCA1- and BRCA2-Associated Hereditary Breast and Ovarian Cancer. Identifiers: Orphanet 145, MedGen C0677776, MeSH D061325, MONDO:0003582. Disease mechanism: loss of function.
Breast-ovarian cancer, familial, susceptibility to, 2 (BROVCA2). Also called: BRCA2 Hereditary Breast and Ovarian Cancer. Identifiers: Orphanet 145, MedGen C2675520, MONDO:0012933, OMIM 612555. Disease mechanism: loss of function.

Allele frequency attached by ClinVar (database versions not stated): gnomAD 0.00001.
gnomAD v4.1: 13 of 1,614,098 alleles (0.00081%); highest among the groups gnomAD compares: Non-Finnish European, 0.0011%; no homozygotes.

Submissions (7):

Evidence-based Network for the Interpretation of Germline Mutant Alleles (ENIGMA)
Classification: Likely benign for Breast-ovarian cancer, familial, susceptibility to, 2. Last evaluated: 2017-06-29. Review status: reviewed by expert panel. Criteria: ENIGMA BRCA1/2 Classification Criteria (2017-06-29). Collection method: curation. Allele origin: germline.
Comment: Synonymous substitution variant, with low bioinformatic likelihood to result in a splicing aberration (Splicing prior probability 0.02).

Labcorp Genetics (formerly Invitae), Labcorp
Classification: Likely benign for Hereditary breast ovarian cancer syndrome. Last evaluated: 2025-11-12. Review status: criteria provided, single submitter. Criteria: Invitae Variant Classification Sherloc (09022015). Collection method: clinical testing. Allele origin: germline. Not counted in ClinVar's aggregate classification.

Women's Health and Genetics/Laboratory Corporation of America, LabCorp
Classification: Likely benign. Last evaluated: 2024-04-23. Review status: criteria provided, single submitter. Criteria: LabCorp Variant Classification Summary - May 2015. Collection method: clinical testing. Allele origin: germline. Not counted in ClinVar's aggregate classification.

All of Us Research Program, National Institutes of Health
Classification: Likely benign for Breast-ovarian cancer, familial, susceptibility to, 2. Last evaluated: 2023-11-02. Review status: criteria provided, single submitter. Criteria: ACMG Guidelines, 2015. Collection method: clinical testing. Allele origin: germline. Inheritance: Autosomal dominant inheritance. Observed: 1 variant allele, 1 heterozygote. Not counted in ClinVar's aggregate classification.
Comment: This study involves interpretation of variants in research participants for the purpose of population health screening. Participant phenotype was not available at the time of variant classification. Additional details can be found in publication PMID: 35346344, PMCID: PMC8962531

Color Diagnostics, LLC DBA Color Health
Classification: Likely benign for Hereditary cancer-predisposing syndrome. Last evaluated: 2018-02-16. Review status: criteria provided, single submitter. Criteria: ACMG Guidelines, 2015. Collection method: clinical testing. Allele origin: germline. Not counted in ClinVar's aggregate classification.

GeneDx
Classification: Likely benign. Last evaluated: 2016-11-18. Review status: criteria provided, single submitter. Criteria: GeneDx Variant Classification (06012015). Collection method: clinical testing. Allele origin: germline. Affected: yes. Not counted in ClinVar's aggregate classification.
Comment: This variant is considered likely benign or benign based on one or more of the following criteria: it is a conservative change, it occurs at a poorly conserved position in the protein, it is predicted to be benign by multiple in silico algorithms, and/or has population frequency not consistent with disease.

Ambry Genetics
Classification: Likely benign for Hereditary cancer-predisposing syndrome. Last evaluated: 2014-08-19. Review status: criteria provided, single submitter. Criteria: Ambry Variant Classification Scheme 2023. Collection method: clinical testing. Allele origin: germline. Not counted in ClinVar's aggregate classification.